The following is an entry in ClinVar:

NM_001134831.2(AHI1):c.1471A>C (p.Asn491His)

Gene: AHI1 (Abelson helper integration site 1; minus strand). Cytogenetic location: 6q23.3.
Variant type: single nucleotide variant.
Coding change: c.1471A>C on transcript NM_001134831.2 (MANE Select); coding-DNA position 1471, A replaced by C.
Protein change: p.Asn491His; replaces asparagine 491 with histidine.
Molecular consequence: missense variant.
Genome position (GRCh38, 1-based): chr6:135,448,445, T>G on the plus strand (A>C on the coding strand, the complement: AHI1 is on the minus strand). VCF-style: chr6-135448445-T-G. GRCh37 (hg19) VCF-style: chr6-135769583-T-G.
Other names: c.1471A>C, p.Asn491His (NM_001134830.2, NM_001134832.2, NM_001350503.2 and 2 more transcripts); short protein forms N491H.
Identifiers: ClinVar variation 1463057 (VCV001463057.7), dbSNP rs2128059224, ClinGen allele CA365745612.

ClinVar aggregate classification (germline): Uncertain significance (1 of 4 stars; one submission).

Conditions:
Joubert syndrome. Also called: CEREBELLOPARENCHYMAL DISORDER IV; JOUBERT-BOLTSHAUSER SYNDROME; Familial aplasia of the vermis. Identifiers: Orphanet 475, MedGen C5979921, MONDO:0018772.

Allele frequency attached by ClinVar (database versions not stated): gnomAD exomes below 0.00001.
gnomAD v4.1: 2 of 1,543,032 alleles (0.00013%); highest among the groups gnomAD compares: Non-Finnish European, 0.00018%; no homozygotes.

Submission:

Labcorp Genetics (formerly Invitae), Labcorp
Classification: Uncertain significance for Joubert syndrome. Last evaluated: 2023-11-13. Review status: criteria provided, single submitter. Criteria: Invitae Variant Classification Sherloc (09022015). Collection method: clinical testing. Allele origin: germline.
Comment: This sequence change replaces asparagine, which is neutral and polar, with histidine, which is basic and polar, at codon 491 of the AHI1 protein (p.Asn491His). This variant is not present in population databases (gnomAD no frequency). This variant has not been reported in the literature in individuals affected with AHI1-related conditions. ClinVar contains an entry for this variant (Variation ID: 1463057). Advanced modeling of protein sequence and biophysical properties (such as structural, functional, and spatial information, amino acid conservation, physicochemical variation, residue mobility, and thermodynamic stability) performed at Invitae indicates that this missense variant is not expected to disrupt AHI1 protein function with a negative predictive value of 80%. In summary, the available evidence is currently insufficient to determine the role of this variant in disease. Therefore, it has been classified as a Variant of Uncertain Significance.